The following is an entry in ClinVar:

NM_001164665.2(KIAA1549):c.1193C>T (p.Ala398Val)

Gene: KIAA1549 (KIAA1549; minus strand). Cytogenetic location: 7q34.
Variant type: single nucleotide variant.
Coding change: c.1193C>T on transcript NM_001164665.2 (MANE Select); coding-DNA position 1193, C replaced by T.
Protein change: p.Ala398Val; replaces alanine 398 with valine.
Molecular consequence: missense variant.
Genome position (GRCh38, 1-based): chr7:138,918,433, G>A on the plus strand (C>T on the coding strand, the complement: KIAA1549 is on the minus strand). VCF-style: chr7-138918433-G-A. GRCh37 (hg19) VCF-style: chr7-138603179-G-A.
Other names: c.1193C>T, p.Ala398Val (NM_020910.3); short protein forms A398V.
Identifiers: ClinVar variation 1958680 (VCV001958680.5), dbSNP rs746957949, ClinGen allele CA4506783.

ClinVar aggregate classification (germline): Uncertain significance (1 of 4 stars; one submission).

Allele frequency attached by ClinVar (database versions not stated): gnomAD 0.00001; gnomAD exomes 0.00001; ExAC 0.00002; TOPMed 0.00002.
gnomAD v4.1: 12 of 1,613,852 alleles (0.00074%); highest among the groups gnomAD compares: Non-Finnish European, 0.001%; no homozygotes.

Submission:

Labcorp Genetics (formerly Invitae), Labcorp
Classification: Uncertain significance. Last evaluated: 2022-05-30. Review status: criteria provided, single submitter. Criteria: Invitae Variant Classification Sherloc (09022015). Collection method: clinical testing. Allele origin: germline.
Comment: In summary, the available evidence is currently insufficient to determine the role of this variant in disease. Therefore, it has been classified as a Variant of Uncertain Significance. Algorithms developed to predict the effect of missense changes on protein structure and function output the following: SIFT: "Tolerated"; PolyPhen-2: "Benign"; Align-GVGD: "Class C0". The valine amino acid residue is found in multiple mammalian species, which suggests that this missense change does not adversely affect protein function. This variant has not been reported in the literature in individuals affected with KIAA1549-related conditions. This variant is present in population databases (rs746957949, gnomAD 0.003%). This sequence change replaces alanine, which is neutral and non-polar, with valine, which is neutral and non-polar, at codon 398 of the KIAA1549 protein (p.Ala398Val).